The following is an entry in ClinVar:

ClinVar aggregate classification (germline): Likely benign (1 of 4 stars; one submission).

Submission:

CeGaT Center for Human Genetics Tuebingen
Classification: Likely benign. Last evaluated: 2026-07-01. Review status: criteria provided, single submitter. Criteria: CeGaT Center For Human Genetics Tuebingen Variant Classification Criteria Version 2. Collection method: clinical testing. Allele origin: germline. Affected: yes. Observed: 1 variant allele.
Comment: SLC22A6: BP4, BP7

NM_153276.3(SLC22A6):c.768G>A (p.Ala256=)

Gene: SLC22A6 (solute carrier family 22 member 6; minus strand). Cytogenetic location: 11q12.3.
Variant type: single nucleotide variant.
Coding change: c.768G>A on transcript NM_153276.3 (MANE Select); coding-DNA position 768, G replaced by A.
Protein change: p.Ala256=; no amino-acid change (alanine 256 retained).
Molecular consequence: synonymous variant.
Genome position (GRCh38, 1-based): chr11:62,981,871, C>T on the plus strand (G>A on the coding strand, the complement: SLC22A6 is on the minus strand). VCF-style: chr11-62981871-C-T. GRCh37 (hg19) VCF-style: chr11-62749343-C-T.
Other names: c.768G>A, p.Ala256= (NM_004790.5, NM_153277.3, NM_153278.3).
Identifiers: ClinVar variation 5039608 (VCV005039608.1).